The following is an entry in ClinVar:

NM_000548.5(TSC2):c.4096G>T (p.Glu1366Ter)

Gene: TSC2 (TSC complex subunit 2; plus strand). Cytogenetic location: 16p13.3.
Variant type: single nucleotide variant.
Coding change: c.4096G>T on transcript NM_000548.5 (MANE Select); coding-DNA position 4096, G replaced by T.
Protein change: p.Glu1366Ter; replaces glutamic acid 1366 with a stop codon.
Molecular consequence: nonsense.
Genome position (GRCh38, 1-based): chr16:2,084,318, G>T. VCF-style: chr16-2084318-G-T. GRCh37 (hg19) VCF-style: chr16-2134319-G-T.
Other names: c.3928G>T, p.Glu1310Ter (NM_001318832.2); c.3898G>T, p.Glu1300Ter (NM_001363528.2); c.3964G>T, p.Glu1322Ter (NM_001370404.1); c.3967G>T, p.Glu1323Ter (NM_001370405.1, NM_021055.3); c.3895G>T, p.Glu1299Ter (NM_001077183.3); c.4027G>T, p.Glu1343Ter (NM_001114382.3); c.3787G>T, p.Glu1263Ter (NM_001318827.2); c.3751G>T, p.Glu1251Ter (NM_001318829.2); and 1 more; short protein forms E1366*, E1299*, E1310*, E1343*, E1323*, E1322*, E1122*, E1251*.
Identifiers: ClinVar variation 49555 (VCV000049555.4), dbSNP rs45517327, ClinGen allele CA019945.
Genomic context (GRCh38, chr16:2,084,318, plus strand): 5'-TCGCTCCACGCGGAGGAGCTGGTTGGCAGGGGCATCCCCATCGAGCGAGTCGTCTCCTCG[G>T]AGGGTGGCCGGCCCTCTGTGGACCTCTCCTTCCAGCCCTCGCAGCCCCTGAGCAAGTCCA-3'

ClinVar aggregate classification (germline): Pathogenic. Review status: criteria provided, multiple submitters, no conflicts (2 of 4 stars). 4 submissions from 4 submitters: Pathogenic (3). 1 of the submissions does not count toward it. Last evaluated 2021-11-07.

Conditions:
Tuberous sclerosis syndrome (TSC). Also called: Tuberous Sclerosis Complex; Tuberous sclerosis. Identifiers: Orphanet 805, MedGen C0041341, MONDO:0001734.
Tuberous sclerosis 2 (TSC2). Identifiers: Orphanet 805, MedGen C1860707, MONDO:0013199, OMIM 613254.

Submissions (4):

Genome-Nilou Lab
Classification: Pathogenic for Tuberous sclerosis 2. Last evaluated: 2021-11-07. Review status: criteria provided, single submitter. Criteria: ACMG Guidelines, 2015. Collection method: clinical testing. Allele origin: germline. Affected: no.

GeneDx
Classification: Pathogenic. Last evaluated: 2018-09-21. Review status: criteria provided, single submitter. Criteria: GeneDx Variant Classification (06012015). Collection method: clinical testing. Allele origin: germline. Affected: yes.
Comment: The E1366X variant in the TSC2 gene, also reported as E1343X, has been reported previously in unrelated individuals with Tuberous Sclerosis Complex (Dabora et al., 2001; Yu et al., 2017). Both reported cases were considered sporadic; This variant is predicted to cause loss of normal protein function either through protein truncation or nonsense-mediated mRNA decay. The E1366X variant is not observed in large population cohorts (Lek et al., 2016). We interpret E1366X as a pathogenic variant

Athena Diagnostics
Classification: Pathogenic for Tuberous sclerosis 2. Last evaluated: 2013-01-17. Review status: criteria provided, single submitter. Criteria: Athena Diagnostics Criteria. Collection method: clinical testing. Allele origin: germline. Inheritance: Autosomal dominant inheritance.

Tuberous sclerosis database (TSC2)
No classification provided. Condition: TSC. Review status: no classification provided. Criteria: Tuberous Sclerosis Database Assertion Criteria 2015. Collection method: curation. Allele origin: germline. Affected: yes. Not counted in ClinVar's aggregate classification.

Literature cited by the submitters: PubMed 11112665 (cited by Athena Diagnostics).